The following is an entry in ClinVar:

ClinVar aggregate classification (germline): Uncertain significance (1 of 4 stars; one submission).

Conditions:
Bloom syndrome (BLM). Also called: Bloom-Torre-Machacek syndrome. Identifiers: Orphanet 125, MedGen C0005859, MONDO:0008876, OMIM 210900.

Submission:

Labcorp Genetics (formerly Invitae), Labcorp
Classification: Uncertain significance for Bloom syndrome. Last evaluated: 2019-06-18. Review status: criteria provided, single submitter. Criteria: Invitae Variant Classification Sherloc (09022015). Collection method: clinical testing. Allele origin: germline.
Comment: In summary, the available evidence is currently insufficient to determine the role of this variant in disease. Therefore, it has been classified as a Variant of Uncertain Significance. Algorithms developed to predict the effect of sequence changes on RNA splicing suggest that this variant may disrupt the consensus splice site, but this prediction has not been confirmed by published transcriptional studies. This variant has not been reported in the literature in individuals with BLM-related disease. This variant is not present in population databases (ExAC no frequency). This sequence change falls in intron 5 of the BLM gene. It does not directly change the encoded amino acid sequence of the BLM protein.

NM_000057.4(BLM):c.1088-5del

Gene: BLM (BLM RecQ like helicase; plus strand). Cytogenetic location: 15q26.1.
Variant type: Deletion.
Coding change: c.1088-5del on transcript NM_000057.4 (MANE Select); 5 bases into the intron before coding-DNA position 1088, one base deleted (T; older notation c.1088-5delT).
Molecular consequence: intron variant. On other transcripts: 5 prime UTR variant (1).
Genome position (GRCh38, 1-based): chr15:90,760,142, T deleted; the last of 4 consecutive T bases (chr15:90,760,139-90,760,142); deleting any one gives the same sequence. VCF-style (leftmost placement, unchanged base first): chr15-90760138-AT-A. GRCh37 (hg19) VCF-style: chr15-91303368-AT-A.
Other names: c.-43del (NM_001287248.2); c.1088-5del (NM_001287246.2, NM_001287247.2); c.1088-5delT (NM_000057.3).
Identifiers: ClinVar variation 640946 (VCV000640946.11), dbSNP rs1596228766, ClinGen allele CA915946146.